The following is an entry in ClinVar:

ClinVar aggregate classification (germline): Benign (1 of 4 stars; one submission).

Conditions:
Glycogen storage disease, type II (IOPD). Also called: Pompe Disease; CARDIOMEGALIA GLYCOGENICA DIFFUSA; GLYCOGENOSIS, GENERALIZED, CARDIAC FORM; GSD II; POMPE DISEASE, INFANTILE-ONSET; GLYCOGEN STORAGE DISEASE II, INFANTILE-ONSET. Identifiers: Orphanet 365, MedGen C0017921, MONDO:0009290, OMIM 232300.

gnomAD v4.1: 3,059 of 1,248,130 alleles (0.25%); highest among the groups gnomAD compares: African/African-American, 3.7%; 57 homozygotes.

Submission:

Genomenon, Inc
Classification: Benign for Glycogen storage disease, type II. Last evaluated: 2026-07-01. Review status: criteria provided, single submitter. Criteria: Genomenon Sequence Variant Interpretation Standards - Updated. Collection method: curation. Allele origin: germline. Affected: no.
Comment: GAA c.1754+100C>T is an intronic variant located in intron 12. This variant is present at high allele frequency in population databases. We classify GAA c.1754+100C>T as a benign variant.

NM_000152.5(GAA):c.1754+100C>T

Gene: GAA (alpha glucosidase; plus strand). Cytogenetic location: 17q25.3.
Variant type: single nucleotide variant.
Coding change: c.1754+100C>T on transcript NM_000152.5 (MANE Select); 100 bases into the intron after coding-DNA position 1754, C replaced by T.
Molecular consequence: intron variant.
Genome position (GRCh38, 1-based): chr17:80,112,200, C>T. VCF-style: chr17-80112200-C-T. GRCh37 (hg19) VCF-style: chr17-78085999-C-T.
Other names: c.1754+100C>T (NM_001406741.1, NM_001406742.1, NM_001079803.3 and 1 more transcripts).
Identifiers: ClinVar variation 4876332 (VCV004876332.1).